The following is an entry in ClinVar:

ClinVar aggregate classification (germline): Uncertain significance (1 of 4 stars; one submission).

Allele frequency attached by ClinVar (database versions not stated): gnomAD 0.00001.
gnomAD v4.1: 19 of 1,614,118 alleles (0.0012%); highest among the groups gnomAD compares: Non-Finnish European, 0.0015%; no homozygotes.

Submission:

Labcorp Genetics (formerly Invitae), Labcorp
Classification: Uncertain significance. Last evaluated: 2022-03-10. Review status: criteria provided, single submitter. Criteria: Invitae Variant Classification Sherloc (09022015). Collection method: clinical testing. Allele origin: germline.
Comment: Algorithms developed to predict the effect of missense changes on protein structure and function are either unavailable or do not agree on the potential impact of this missense change (SIFT: "Tolerated"; PolyPhen-2: "Possibly Damaging"; Align-GVGD: "Class C0"). In summary, the available evidence is currently insufficient to determine the role of this variant in disease. Therefore, it has been classified as a Variant of Uncertain Significance. Algorithms developed to predict the effect of sequence changes on RNA splicing suggest that this variant may create or strengthen a splice site. ClinVar contains an entry for this variant (Variation ID: 998670). This variant has not been reported in the literature in individuals affected with PRPF6-related conditions. This variant is present in population databases (no rsID available, gnomAD 0.002%). This sequence change replaces asparagine, which is neutral and polar, with serine, which is neutral and polar, at codon 168 of the PRPF6 protein (p.Asn168Ser).

NM_012469.4(PRPF6):c.503A>G (p.Asn168Ser)

Gene: PRPF6 (pre-mRNA processing factor 6; plus strand). Cytogenetic location: 20q13.33.
Variant type: single nucleotide variant.
Coding change: c.503A>G on transcript NM_012469.4 (MANE Select); coding-DNA position 503, A replaced by G.
Protein change: p.Asn168Ser; replaces asparagine 168 with serine.
Molecular consequence: missense variant.
Genome position (GRCh38, 1-based): chr20:63,994,980, A>G. VCF-style: chr20-63994980-A-G. GRCh37 (hg19) VCF-style: chr20-62626333-A-G.
Other names: short protein forms N168S.
Identifiers: ClinVar variation 998670 (VCV000998670.10), dbSNP rs1364851051, ClinGen allele CA409715529.